The following is an entry in ClinVar:

NM_024642.5(GALNT12):c.1522G>A (p.Ala508Thr)

Gene: GALNT12 (polypeptide N-acetylgalactosaminyltransferase 12; plus strand). Cytogenetic location: 9q22.33.
Variant type: single nucleotide variant.
Coding change: c.1522G>A on transcript NM_024642.5 (MANE Select); coding-DNA position 1522, G replaced by A.
Protein change: p.Ala508Thr; replaces alanine 508 with threonine.
Molecular consequence: missense variant.
Genome position (GRCh38, 1-based): chr9:98,846,040, G>A. VCF-style: chr9-98846040-G-A. GRCh37 (hg19) VCF-style: chr9-101608322-G-A.
Other names: short protein forms A508T.
Identifiers: ClinVar variation 1439957 (VCV001439957.8), dbSNP rs1487635356, ClinGen allele CA374221726.

ClinVar aggregate classification (germline): Uncertain significance. Review status: criteria provided, multiple submitters, no conflicts (2 of 4 stars). 2 submissions from 2 submitters: Uncertain significance (2). Last evaluated 2024-02-28.

Allele frequency attached by ClinVar (database versions not stated): gnomAD exomes below 0.00001; gnomAD 0.00001.

Submissions (2):

Ambry Genetics
Classification: Uncertain significance. Last evaluated: 2024-02-28. Review status: criteria provided, single submitter. Criteria: Ambry Variant Classification Scheme 2023. Collection method: clinical testing. Allele origin: germline.

Labcorp Genetics (formerly Invitae), Labcorp
Classification: Uncertain significance. Last evaluated: 2021-09-02. Review status: criteria provided, single submitter. Criteria: Invitae Variant Classification Sherloc (09022015). Collection method: clinical testing. Allele origin: germline.
Comment: This sequence change replaces alanine with threonine at codon 508 of the GALNT12 protein (p.Ala508Thr). The alanine residue is moderately conserved and there is a small physicochemical difference between alanine and threonine. This variant is not present in population databases (ExAC no frequency). In summary, the available evidence is currently insufficient to determine the role of this variant in disease. Therefore, it has been classified as a Variant of Uncertain Significance. Algorithms developed to predict the effect of missense changes on protein structure and function output the following: SIFT: "Tolerated"; PolyPhen-2: "Benign"; Align-GVGD: "Class C0". The threonine amino acid residue is found in multiple mammalian species, which suggests that this missense change does not adversely affect protein function. This variant has not been reported in the literature in individuals affected with GALNT12-related conditions.